The following is an entry in ClinVar:

NM_000277.3(PAH):c.841C>T (p.Pro281Ser)

Gene: PAH (phenylalanine hydroxylase; minus strand). Cytogenetic location: 12q23.2.
Variant type: single nucleotide variant.
Coding change: c.841C>T on transcript NM_000277.3 (MANE Select); coding-DNA position 841, C replaced by T.
Protein change: p.Pro281Ser; replaces proline 281 with serine.
Molecular consequence: missense variant.
Genome position (GRCh38, 1-based): chr12:102,852,816, G>A on the plus strand (C>T on the coding strand, the complement: PAH is on the minus strand). VCF-style: chr12-102852816-G-A. GRCh37 (hg19) VCF-style: chr12-103246594-G-A.
Other names: NM_000277.1(PAH):c.841C>T; c.841C>T, p.Pro281Ser (NM_001354304.2); short protein forms P281S.
Identifiers: ClinVar variation 92749 (VCV000092749.7), dbSNP rs199475654, ClinGen allele CA220587.

ClinVar aggregate classification (germline): Likely pathogenic. Review status: reviewed by expert panel (3 of 4 stars). 3 submissions from 3 submitters: Likely pathogenic (1). 2 of the submissions do not count toward it. Last evaluated 2018-08-10.

Conditions:
Phenylketonuria (PKU). Also called: Phenylketonuria (PKU); OLIGOPHRENIA PHENYLPYRUVICA; Phenylketonurias; FOLLING DISEASE. Identifiers: Orphanet 716, MedGen C0031485, MONDO:0009861, OMIM 261600. Disease mechanism: loss of function.

Allele frequency attached by ClinVar (database versions not stated): ExAC 0.00001; gnomAD exomes below 0.00001.
gnomAD v4.1: 1 of 1,614,044 alleles (0.000062%); highest among the groups gnomAD compares: Non-Finnish European, 0.000085%; no homozygotes.

Submissions (3):

ClinGen PAH Variant Curation Expert Panel
Classification: Likely pathogenic for Phenylketonuria. Last evaluated: 2018-08-10. Review status: reviewed by expert panel. Criteria: ClinGen PAH ACMG Specifications v1. Collection method: curation. Allele origin: germline. Inheritance: Autosomal recessive inheritance.
Comment: PAH-specific ACMG/AMP criteria applied: PM2: 1 allele in ExAC ; PP3: tools predict damaging ; PP4_Moderate: P281S Identified in at least one patient with classic PKU. BH4 deficiency excluded. (PMID:15589814); PM3_Strong: Detected with c.1315+1G>A & p.Arg243Ter, pathogenic in ClinVar (PMID:26666653; PMID:27121329). In summary this variant meets criteria to be classified as likely pathogenic for phenylketonuria in an autosomal recessive manner based on the ACMG/AMP criteria applied as specified by the PAH Expert Panel: (PM2, PP3, PP4_Moderate, PM3_Strong).

Eurofins Ntd Llc (ga)
Classification: Uncertain significance. Last evaluated: 2015-09-29. Review status: criteria provided, single submitter. Criteria: EGL Classification Definitions 2015. Collection method: clinical testing. Allele origin: germline. Observed: 1 variant allele, 1 heterozygote. Not counted in ClinVar's aggregate classification.

DeBelle Laboratory for Biochemical Genetics, MUHC/MCH RESEARCH INSTITUTE
No classification provided. Review status: no classification provided. Collection method: not provided. Allele origin: not provided. Not counted in ClinVar's aggregate classification.

Literature cited by the submitters: PubMed 26666653 (cited by ClinGen PAH Variant Curation Expert Panel); PubMed 27121329 (cited by ClinGen PAH Variant Curation Expert Panel); PubMed 15589814 (cited by ClinGen PAH Variant Curation Expert Panel).